The following is an entry in ClinVar:

ClinVar aggregate classification (germline): Likely benign (1 of 4 stars; one submission).

Allele frequency attached by ClinVar (database versions not stated): gnomAD exomes 0.00135; gnomAD 0.01012 and 0.01080; TOPMed 0.01168; 1000 Genomes Project 30x 0.01046; 1000 Genomes Project 0.00839.
gnomAD v4.1: 1,849 of 388,908 alleles (0.48%); highest among the groups gnomAD compares: African/African-American, 3.5%; 23 homozygotes.

Submission:

GeneDx
Classification: Likely benign. Last evaluated: 2018-06-14. Review status: criteria provided, single submitter. Criteria: GeneDx Variant Classification (06012015). Collection method: clinical testing. Allele origin: germline. Affected: yes.
Comment: This variant is considered likely benign or benign based on one or more of the following criteria: it is a conservative change, it occurs at a poorly conserved position in the protein, it is predicted to be benign by multiple in silico algorithms, and/or has population frequency not consistent with disease.

NM_001386795.1(DTNA):c.-1-279A>G

Genes: DTNA (dystrobrevin alpha; plus strand), DTNA-AS1 (DTNA antisense RNA 1; minus strand). Cytogenetic location: 18q12.1.
Variant type: single nucleotide variant.
Coding change: c.-1-279A>G on transcript NM_001386795.1 (MANE Select); 279 bases into the intron before 1 bases upstream of the start codon, A replaced by G.
Molecular consequence: intron variant.
Genome position (GRCh38, 1-based): chr18:34,755,697, A>G. VCF-style: chr18-34755697-A-G. GRCh37 (hg19) VCF-style: chr18-32335661-A-G.
Other names: c.-1-279A>G (NM_032975.4, NM_001386761.1, NM_001386762.1 and 33 more transcripts).
Identifiers: ClinVar variation 669424 (VCV000669424.3), dbSNP rs6650657, ClinGen allele CA298583949.
Genomic context (GRCh38, chr18:34,755,697, plus strand): 5'-TTAAAATTGAAAGAGAAACTGAATGGGAAACGAGTCACCTAACAGATGGTAGATTGTTGT[A>G]TTTAGTTATAGCACAAGGTCATTTGCTACAGTAGTTATTTTTATGTTAGACAATAAAAAT-3'